The following is an entry in ClinVar:

ClinVar aggregate classification (germline): Uncertain significance (1 of 4 stars; one submission).

Submission:

GeneDx
Classification: Uncertain significance. Last evaluated: 2024-01-24. Review status: criteria provided, single submitter. Criteria: GeneDx Variant Classification Process June 2021. Collection method: clinical testing. Allele origin: germline. Affected: yes.
Comment: Not observed at significant frequency in large population cohorts (gnomAD); In silico analysis supports that this missense variant does not alter protein structure/function; Has not been previously published as pathogenic or benign to our knowledge

NM_025114.4(CEP290):c.2788G>A (p.Glu930Lys)

Gene: CEP290 (centrosomal protein 290; minus strand). Cytogenetic location: 12q21.32.
Variant type: single nucleotide variant.
Coding change: c.2788G>A on transcript NM_025114.4 (MANE Select); coding-DNA position 2788, G replaced by A.
Protein change: p.Glu930Lys; replaces glutamic acid 930 with lysine.
Molecular consequence: missense variant.
Genome position (GRCh38, 1-based): chr12:88,106,704, C>T on the plus strand (G>A on the coding strand, the complement: CEP290 is on the minus strand). VCF-style: chr12-88106704-C-T. GRCh37 (hg19) VCF-style: chr12-88500481-C-T.
Other names: short protein forms E930K.
Identifiers: ClinVar variation 3368051 (VCV003368051.1).